The following is an entry in ClinVar:

NM_020822.3(KCNT1):c.3646A>C (p.Ser1216Arg)

Gene: KCNT1 (potassium sodium-activated channel subfamily T member 1; plus strand). Cytogenetic location: 9q34.3.
Variant type: single nucleotide variant.
Coding change: c.3646A>C on transcript NM_020822.3 (MANE Select); coding-DNA position 3646, A replaced by C.
Protein change: p.Ser1216Arg; replaces serine 1216 with arginine.
Molecular consequence: missense variant.
Genome position (GRCh38, 1-based): chr9:135,792,099, A>C. VCF-style: chr9-135792099-A-C. GRCh37 (hg19) VCF-style: chr9-138683945-A-C.
Other names: c.3574A>C, p.Ser1192Arg (NM_001272003.2); short protein forms S1192R, S1216R.
Identifiers: ClinVar variation 949120 (VCV000949120.8), dbSNP rs1834583130, ClinGen allele CA375494436.

ClinVar aggregate classification (germline): Uncertain significance (1 of 4 stars; one submission).

Conditions:
Autosomal dominant nocturnal frontal lobe epilepsy 5. Also called: KCNT1-Related Epilepsy; CILIARY DYSKINESIA, PRIMARY, 28, WITHOUT SITUS INVERSUS; CILIARY DYSKINESIA, PRIMARY, 28, WITH SITUS INVERSUS; Epilepsy, nocturnal frontal lobe, 5. Identifiers: Orphanet 98784, MedGen C3554306, MONDO:0014002, OMIM 615005.
Developmental and epileptic encephalopathy, 14 (DEE14). Also called: Early infantile epileptic encephalopathy 14. Identifiers: Orphanet 293181, MedGen C3554195, MONDO:0013989, OMIM 614959.

Submission:

Labcorp Genetics (formerly Invitae), Labcorp
Classification: Uncertain significance for Autosomal dominant nocturnal frontal lobe epilepsy 5; Developmental and epileptic encephalopathy, 14. Last evaluated: 2023-07-22. Review status: criteria provided, single submitter. Criteria: Invitae Variant Classification Sherloc (09022015). Collection method: clinical testing. Allele origin: germline.
Comment: This sequence change replaces serine, which is neutral and polar, with arginine, which is basic and polar, at codon 1216 of the KCNT1 protein (p.Ser1216Arg). This variant is not present in population databases (gnomAD no frequency). This variant has not been reported in the literature in individuals affected with KCNT1-related conditions. ClinVar contains an entry for this variant (Variation ID: 949120). Advanced modeling of protein sequence and biophysical properties (such as structural, functional, and spatial information, amino acid conservation, physicochemical variation, residue mobility, and thermodynamic stability) performed at Invitae indicates that this missense variant is not expected to disrupt KCNT1 protein function. In summary, the available evidence is currently insufficient to determine the role of this variant in disease. Therefore, it has been classified as a Variant of Uncertain Significance.